The following is an entry in ClinVar:

ClinVar aggregate classification (germline): Uncertain significance. Review status: criteria provided, multiple submitters, no conflicts (2 of 4 stars). 3 submissions from 3 submitters: Uncertain significance (3). Last evaluated 2026-04-14.

Conditions:
Hereditary cancer-predisposing syndrome. Also called: Neoplastic Syndromes, Hereditary; Tumor predisposition; Hereditary Cancer Syndrome; Hereditary neoplastic syndrome. Identifiers: Orphanet 140162, MedGen C0027672, MeSH D009386, MONDO:0015356.
Hereditary breast ovarian cancer syndrome. Also called: Hereditary breast and/or ovarian cancer syndrome; Hereditary breast and ovarian cancer syndrome (HBOC); Hereditary breast and ovarian cancer syndrome; Breast and ovarian cancer; Hereditary breast and ovarian cancer; BRCA1- and BRCA2-Associated Hereditary Breast and Ovarian Cancer. Identifiers: Orphanet 145, MedGen C0677776, MeSH D061325, MONDO:0003582. Disease mechanism: loss of function.

gnomAD v4.1: 1 of 1,588,744 alleles (0.000063%); highest among the groups gnomAD compares: Non-Finnish European, 0.000086%; no homozygotes.

Submissions (3):

German Consortium for Hereditary Breast and Ovarian Cancer, University Hospital Cologne
Classification: Uncertain significance for Hereditary breast ovarian cancer syndrome. Last evaluated: 2026-04-14. Review status: criteria provided, single submitter. Criteria: ClinGen BRCA2 1.2.0. Collection method: curation. Allele origin: germline.
Comment: This classification follows the ClinGen ENIGMA BRCA2 v1.2.0 classification scheme; We chose these criteria: PM2 (supporting pathogenic): absent from gnomAD v2/3, PP3 (supporting pathogenic): Splice AI DL = 0.89

Ambry Genetics
Classification: Uncertain significance for Hereditary cancer-predisposing syndrome. Last evaluated: 2024-09-26. Review status: criteria provided, single submitter. Criteria: Ambry Variant Classification Scheme 2023. Collection method: clinical testing. Allele origin: germline.
Comment: The c.681+5G>A intronic variant results from a G to A substitution 5 nucleotides after coding exon 7 in the BRCA2 gene. This nucleotide position is highly conserved in available vertebrate species. In silico splice site analysis predicts that this alteration will weaken the native splice donor site. RNA studies have demonstrated that this alteration results in a splice defect; the clinical impact of this abnormal splicing is unknown at this time (Ambry internal data). Based on the available evidence, the clinical significance of this variant remains unclear.

Labcorp Genetics (formerly Invitae), Labcorp
Classification: Uncertain significance for Hereditary breast ovarian cancer syndrome. Last evaluated: 2024-03-25. Review status: criteria provided, single submitter. Criteria: Invitae Variant Classification Sherloc (09022015). Collection method: clinical testing. Allele origin: germline.
Comment: This sequence change falls in intron 8 of the BRCA2 gene. It does not directly change the encoded amino acid sequence of the BRCA2 protein. It affects a nucleotide within the consensus splice site. This variant is not present in population databases (gnomAD no frequency). This variant has not been reported in the literature in individuals affected with BRCA2-related conditions. ClinVar contains an entry for this variant (Variation ID: 1036086). Variants that disrupt the consensus splice site are a relatively common cause of aberrant splicing (PMID: 17576681, 9536098). Algorithms developed to predict the effect of sequence changes on RNA splicing suggest that this variant may disrupt the consensus splice site. In summary, the available evidence is currently insufficient to determine the role of this variant in disease. Therefore, it has been classified as a Variant of Uncertain Significance.

Literature cited by the submitters: PubMed 26780556 (cited by Ambry Genetics); PubMed 17576681 (cited by Labcorp Genetics (formerly Invitae), Labcorp); PubMed 9536098 (cited by Labcorp Genetics (formerly Invitae), Labcorp).

NM_000059.4(BRCA2):c.681+5G>A

Gene: BRCA2 (BRCA2 DNA repair associated; plus strand). Cytogenetic location: 13q13.1.
Variant type: single nucleotide variant.
Coding change: c.681+5G>A on transcript NM_000059.4 (MANE Select); 5 bases into the intron after coding-DNA position 681, G replaced by A.
Molecular consequence: intron variant.
Genome position (GRCh38, 1-based): chr13:32,329,497, G>A. VCF-style: chr13-32329497-G-A. GRCh37 (hg19) VCF-style: chr13-32903634-G-A.
Identifiers: ClinVar variation 1036086 (VCV001036086.14), dbSNP rs1555281364, ClinGen allele CA2082756874.